The following is an entry in ClinVar:

NM_001376.5(DYNC1H1):c.13359C>T (p.Asn4453=)

Gene: DYNC1H1 (dynein cytoplasmic 1 heavy chain 1; plus strand). Cytogenetic location: 14q32.31.
Variant type: single nucleotide variant.
Coding change: c.13359C>T on transcript NM_001376.5 (MANE Select); coding-DNA position 13359, C replaced by T.
Protein change: p.Asn4453=; no amino-acid change (asparagine 4453 retained).
Molecular consequence: synonymous variant.
Genome position (GRCh38, 1-based): chr14:102,048,656, C>T. VCF-style: chr14-102048656-C-T. GRCh37 (hg19) VCF-style: chr14-102514993-C-T.
Identifiers: ClinVar variation 312664 (VCV000312664.23), dbSNP rs140033479, ClinGen allele CA7354213.

ClinVar aggregate classification (germline): Likely benign. Review status: criteria provided, multiple submitters, no conflicts (2 of 4 stars). 7 submissions from 6 submitters: Likely benign (7). Last evaluated 2026-01-13.

Conditions:
Autosomal dominant cerebellar ataxia. Also called: Spinocerebellar Ataxia, Dominant. Identifiers: Orphanet 99, MedGen C4087347, MONDO:0020380.
Inborn genetic diseases. Identifiers: MedGen C0950123, MeSH D030342.
Charcot-Marie-Tooth disease axonal type 2O. Also called: CHARCOT-MARIE-TOOTH NEUROPATHY, AXONAL, TYPE 2O; CHARCOT-MARIE-TOOTH DISEASE, AXONAL, AUTOSOMAL DOMINANT, TYPE 2O; Charcot-Marie-Tooth Neuropathy Type 2O; Charcot-Marie-Tooth disease, axonal, type 20. Identifiers: Orphanet 284232, MedGen C3280220, MONDO:0013644, OMIM 614228.
Charcot-Marie-Tooth disease. Also called: Charcot-Marie-Tooth Neuropathy; Charcot-Marie-Tooth Hereditary Neuropathy. Identifiers: Orphanet 166, MedGen C0007959, MONDO:0015626.

Allele frequency attached by ClinVar (database versions not stated): gnomAD 0.00014; TOPMed 0.00018; ESP Exome Variant Server 0.00031.
gnomAD v4.1: 386 of 1,613,162 alleles (0.024%); highest among the groups gnomAD compares: Non-Finnish European, 0.029%; no homozygotes.

Submissions (7):

Labcorp Genetics (formerly Invitae), Labcorp
Classification: Likely benign for Charcot-Marie-Tooth disease axonal type 2O. Last evaluated: 2026-01-13. Review status: criteria provided, single submitter. Criteria: Invitae Variant Classification Sherloc (09022015). Collection method: clinical testing. Allele origin: germline.

Blueprint Genetics
Classification: Likely benign. Last evaluated: 2024-06-14. Review status: criteria provided, single submitter. Criteria: ACMG Guidelines, 2015. Collection method: clinical testing. Allele origin: germline.

GeneDx
Classification: Likely benign. Last evaluated: 2021-01-29. Review status: criteria provided, single submitter. Criteria: GeneDx Variant Classification Process June 2021. Collection method: clinical testing. Allele origin: germline. Affected: yes.

Illumina Laboratory Services, Illumina
Classification: Likely benign for Charcot-Marie-Tooth disease axonal type 2O. Last evaluated: 2018-01-13. Review status: criteria provided, single submitter. Criteria: ICSL Variant Classification Criteria 13 December 2019. Collection method: clinical testing. Allele origin: germline.
Comment: This variant was observed in the ICSL laboratory as part of a predisposition screen in an ostensibly healthy population. It had not been previously curated by ICSL or reported in the Human Gene Mutation Database (HGMD: prior to June 1st, 2018), and was therefore a candidate for classification through an automated scoring system. Utilizing variant allele frequency, disease prevalence and penetrance estimates, and inheritance mode, an automated score was calculated to assess if this variant is too frequent to cause the disease. Based on the score and internal cut-off values, a variant classified as likely benign is not then subjected to further curation. The score for this variant resulted in a classification of likely benign for this disease.

Illumina Laboratory Services, Illumina
Classification: Likely benign for Spinocerebellar Ataxia, Dominant. Last evaluated: 2018-01-13. Review status: criteria provided, single submitter. Criteria: ICSL Variant Classification Criteria 13 December 2019. Collection method: clinical testing. Allele origin: germline.
Comment: the same text as in the submission from Illumina Laboratory Services, Illumina above.

Ambry Genetics
Classification: Likely benign for Inborn genetic diseases. Last evaluated: 2016-11-17. Review status: criteria provided, single submitter. Criteria: Ambry Variant Classification Scheme 2023. Collection method: clinical testing. Allele origin: germline.

Molecular Genetics Laboratory, London Health Sciences Centre
Classification: Likely benign for Charcot-Marie-Tooth disease. Review status: criteria provided, single submitter. Criteria: ACMG Guidelines, 2015. Collection method: clinical testing. Allele origin: germline. Affected: yes.